The following is an entry in ClinVar:

NM_000237.3(LPL):c.274G>A (p.Val92Met)

Gene: LPL (lipoprotein lipase; plus strand). Cytogenetic location: 8p21.3.
Variant type: single nucleotide variant.
Coding change: c.274G>A on transcript NM_000237.3 (MANE Select); coding-DNA position 274, G replaced by A.
Protein change: p.Val92Met; replaces valine 92 with methionine.
Molecular consequence: missense variant.
Genome position (GRCh38, 1-based): chr8:19,951,793, G>A. VCF-style: chr8-19951793-G-A. GRCh37 (hg19) VCF-style: chr8-19809304-G-A.
Other names: short protein forms V92M.
Identifiers: ClinVar variation 3343433 (VCV003343433.2).

ClinVar aggregate classification (germline): Uncertain significance. Review status: criteria provided, single submitter (1 of 4 stars). 2 submissions from 2 submitters: Uncertain significance (1). 1 of the submissions does not count toward it. Last evaluated 2023-11-30.

Conditions:
Hyperlipoproteinemia, type I. Also called: Lipoprotein Lipase Deficiency; Hyperlipoproteinemia type 1; Hyperchylomicro-nemia familial; Familial chylomicronemia; Hyperlipemia idiopathic Burger-Grutz type; Familial hyperlipo-proteinemia type 1. Identifiers: Orphanet 309015, Orphanet 444490, MedGen C0023817, MONDO:0009387, OMIM 238600. Disease mechanism: loss of function.

gnomAD v4.1: 3 of 1,614,180 alleles (0.00019%); no homozygotes.

Submissions (2):

GeneDx
Classification: Uncertain significance. Last evaluated: 2023-11-30. Review status: criteria provided, single submitter. Criteria: GeneDx Variant Classification Process June 2021. Collection method: clinical testing. Allele origin: germline. Affected: yes.
Comment: Not observed at significant frequency in large population cohorts (gnomAD); In silico analysis supports that this missense variant does not alter protein structure/function; Has not been previously published as pathogenic or benign to our knowledge

Natera, Inc.
Classification: Uncertain significance for Lipoprotein lipase deficiency. Last evaluated: 2025-02-05. Review status: no assertion criteria provided. Collection method: clinical testing. Allele origin: germline. Not counted in ClinVar's aggregate classification.